The following is an entry in ClinVar:

NM_001966.4(EHHADH):c.1773A>G (p.Lys591=)

Gene: EHHADH (enoyl-CoA hydratase and 3-hydroxyacyl CoA dehydrogenase; minus strand). Cytogenetic location: 3q27.2.
Variant type: single nucleotide variant.
Coding change: c.1773A>G on transcript NM_001966.4 (MANE Select); coding-DNA position 1773, A replaced by G.
Protein change: p.Lys591=; no amino-acid change (lysine 591 retained).
Molecular consequence: synonymous variant.
Genome position (GRCh38, 1-based): chr3:185,192,625, T>C on the plus strand (A>G on the coding strand, the complement: EHHADH is on the minus strand). VCF-style: chr3-185192625-T-C. GRCh37 (hg19) VCF-style: chr3-184910413-T-C.
Other names: c.1485A>G, p.Lys495= (NM_001166415.2).
Identifiers: ClinVar variation 3053120 (VCV003053120.2), dbSNP rs1199440482, ClinGen allele CA437629696.

ClinVar aggregate classification (germline): Likely benign (0 of 4 stars; one submission).

Conditions:
EHHADH-related disorder. Also called: EHHADH-related condition.

Allele frequency attached by ClinVar (database versions not stated): gnomAD exomes below 0.00001.
gnomAD v4.1: 1 of 1,614,180 alleles (0.000062%); highest among the groups gnomAD compares: Admixed American, 0.0017%; no homozygotes.

Submission:

PreventionGenetics, part of Exact Sciences
Classification: Likely benign for EHHADH-related condition. Last evaluated: 2022-06-24. Review status: no assertion criteria provided. Collection method: clinical testing. Allele origin: germline.
Comment: This variant is classified as likely benign based on ACMG/AMP sequence variant interpretation guidelines (Richards et al. 2015 PMID: 25741868, with internal and published modifications).